The following is an entry in ClinVar:

ClinVar aggregate classification (germline): Uncertain significance. Review status: criteria provided, single submitter (1 of 4 stars). 3 submissions from 3 submitters: Uncertain significance (1). 2 of the submissions do not count toward it. Last evaluated 2022-07-16.

gnomAD v4.1: 37 of 1,605,562 alleles (0.0023%); highest among the groups gnomAD compares: African/African-American, 0.004%; no homozygotes.

Submissions (4):

Labcorp Genetics (formerly Invitae), Labcorp
Classification: Uncertain significance. Last evaluated: 2022-07-16. Review status: criteria provided, single submitter. Criteria: Invitae Variant Classification Sherloc (09022015). Collection method: clinical testing. Allele origin: germline.
Comment: This sequence change replaces alanine, which is neutral and non-polar, with valine, which is neutral and non-polar, at codon 1236 of the HSPG2 protein (p.Ala1236Val). The frequency data for this variant in the population databases is considered unreliable, as metrics indicate poor data quality at this position in the gnomAD database. This variant has not been reported in the literature in individuals affected with HSPG2-related conditions. ClinVar contains an entry for this variant (Variation ID: 1206028). Algorithms developed to predict the effect of missense changes on protein structure and function are either unavailable or do not agree on the potential impact of this missense change (SIFT: "Deleterious"; PolyPhen-2: "Possibly Damaging"; Align-GVGD: "Class C0"). In summary, the available evidence is currently insufficient to determine the role of this variant in disease. Therefore, it has been classified as a Variant of Uncertain Significance.

Clinical Genetics DNA and cytogenetics Diagnostics Lab, Erasmus MC, Erasmus Medical Center
Classification: Likely benign. Review status: no assertion criteria provided. Collection method: clinical testing. Allele origin: germline. Affected: yes. Study: VKGL Data-share Consensus. Not counted in ClinVar's aggregate classification.

Dr. Peter K. Rogan Lab, Western University
No classification provided (evidence only). Condition: Ovarian serous cystadenocarcinoma. Review status: no classification provided. Collection method: in vitro. Allele origin: not applicable. Functional consequence: retained intron. Not counted in ClinVar's aggregate classification.

Laboratory of Diagnostic Genome Analysis, Leiden University Medical Center (LUMC)
Classification: Likely benign. Review status: no assertion criteria provided. Collection method: clinical testing. Allele origin: germline. Affected: yes. Study: VKGL Data-share Consensus. Not counted in ClinVar's aggregate classification.

NM_005529.7(HSPG2):c.3707C>T (p.Ala1236Val)

Gene: HSPG2 (heparan sulfate proteoglycan 2; minus strand). Cytogenetic location: 1p36.12.
Variant type: single nucleotide variant.
Coding change: c.3707C>T on transcript NM_005529.7 (MANE Select); coding-DNA position 3707, C replaced by T.
Protein change: p.Ala1236Val; replaces alanine 1236 with valine.
Molecular consequence: missense variant.
Genome position (GRCh38, 1-based): chr1:21,873,961, G>A on the plus strand (C>T on the coding strand, the complement: HSPG2 is on the minus strand). VCF-style: chr1-21873961-G-A. GRCh37 (hg19) VCF-style: chr1-22200454-G-A.
Other names: c.3710C>T, p.Ala1237Val (NM_001291860.2); short protein forms A1236V, A1237V.
Identifiers: ClinVar variation 1206028 (VCV001206028.5), dbSNP rs113652076, ClinGen allele CA672547.